The following is an entry in ClinVar:

ClinVar aggregate classification (germline): Pathogenic (1 of 4 stars; one submission).

Conditions:
Charcot-Marie-Tooth disease type 2. Also called: Charcot-Marie-Tooth type 2. Identifiers: Orphanet 64746, MedGen C0270914, MONDO:0018993.

Submission:

Labcorp Genetics (formerly Invitae), Labcorp
Classification: Pathogenic for Charcot-Marie-Tooth disease type 2. Last evaluated: 2021-06-26. Review status: criteria provided, single submitter. Criteria: Invitae Variant Classification Sherloc (09022015). Collection method: clinical testing. Allele origin: germline.
Comment: This sequence change creates a premature translational stop signal (p.Asn209Lysfs*6) in the LMNA gene. It is expected to result in an absent or disrupted protein product. Loss-of-function variants in LMNA are known to be pathogenic (PMID: 18585512, 18926329). This variant is not present in population databases (ExAC no frequency). This variant has not been reported in the literature in individuals affected with LMNA-related conditions. For these reasons, this variant has been classified as Pathogenic.

Literature cited by the submitters: PubMed 18585512; PubMed 18926329.

NM_170707.4(LMNA):c.623_626dup (p.Asn209fs)

Gene: LMNA (lamin A/C; plus strand). Cytogenetic location: 1q22.
Variant type: Duplication.
Coding change: c.623_626dup on transcript NM_170707.4 (MANE Select); coding-DNA positions 623 to 626, 4 bases duplicated (AGAA; older notation c.623_626dupAGAA).
Protein change: p.Asn209fs; shifts the reading frame from asparagine 209.
Molecular consequence: frameshift variant.
Genome position (GRCh38, 1-based): chr1:156,134,512-156,134,515, AGAA duplicated; duplicating any 4 consecutive bases within chr1:156,134,511-156,134,515 gives the same sequence; the c. name uses the placement nearest the transcript's 3' end. VCF-style (leftmost placement, unchanged base first): chr1-156134510-G-GAAGA. GRCh37 (hg19) VCF-style: chr1-156104301-G-GAAGA.
Other names: c.287_290dup, p.Asn97fs (NM_001257374.3); c.380_383dup, p.Asn128fs (NM_001282624.2); c.623_626dup, p.Asn209fs (NM_001282625.2, NM_001282626.2, NM_005572.4 and 1 more transcripts); short protein forms N209fs, N97fs, N128fs.
Identifiers: ClinVar variation 1434231 (VCV001434231.6), dbSNP rs2102879250, ClinGen allele CA2573130569.
Genomic context (GRCh38, chr1:156,134,510, plus strand): 5'-GCTGCGGCGGGTGGATGCTGAGAACAGGCTGCAGACCATGAAGGAGGAACTGGACTTCCA[G>GAAGA]AAGAACATCTACAGTGAGGTGGGGACTGTGCTTTGCAAGCCAGAGGGCTGGGGCTGGGTG-3'